The following is an entry in ClinVar:

ClinVar aggregate classification (germline): Uncertain significance (1 of 4 stars; one submission).

Conditions:
Arrhythmogenic cardiomyopathy with wooly hair and keratoderma. Also called: PALMOPLANTAR KERATODERMA WITH LEFT VENTRICULAR CARDIOMYOPATHY AND WOOLLY HAIR; Carvajal syndrome; Dilated cardiomyopathy with woolly hair and keratoderma; Arrhythmogenic cardiomyopathy with woolly hair and keratoderma. Identifiers: Orphanet 65282, MedGen C1854063, MONDO:0011581, OMIM 605676.
Arrhythmogenic right ventricular dysplasia 8 (ARVD8). Also called: Arrhythmogenic Right Ventricular Dysplasia/Cardiomyopathy 8; ARRHYTHMOGENIC RIGHT VENTRICULAR DYSPLASIA, FAMILIAL, 8; ARRHYTHMOGENIC RIGHT VENTRICULAR CARDIOMYOPATHY 8. Identifiers: MedGen C1843896, MONDO:0011831, OMIM 607450.

Submission:

Labcorp Genetics (formerly Invitae), Labcorp
Classification: Uncertain significance for Arrhythmogenic cardiomyopathy with wooly hair and keratoderma; Arrhythmogenic right ventricular dysplasia 8. Last evaluated: 2022-11-30. Review status: criteria provided, single submitter. Criteria: Invitae Variant Classification Sherloc (09022015). Collection method: clinical testing. Allele origin: germline.
Comment: In summary, the available evidence is currently insufficient to determine the role of this variant in disease. Therefore, it has been classified as a Variant of Uncertain Significance. Algorithms developed to predict the effect of missense changes on protein structure and function (SIFT, PolyPhen-2, Align-GVGD) all suggest that this variant is likely to be disruptive. This variant has not been reported in the literature in individuals affected with DSP-related conditions. This variant is not present in population databases (gnomAD no frequency). This sequence change replaces glutamic acid, which is acidic and polar, with lysine, which is basic and polar, at codon 2369 of the DSP protein (p.Glu2369Lys).

NM_004415.4(DSP):c.7105G>A (p.Glu2369Lys)

Gene: DSP (desmoplakin; plus strand). Cytogenetic location: 6p24.3.
Variant type: single nucleotide variant.
Coding change: c.7105G>A on transcript NM_004415.4 (MANE Select); coding-DNA position 7105, G replaced by A.
Protein change: p.Glu2369Lys; replaces glutamic acid 2369 with lysine.
Molecular consequence: missense variant.
Genome position (GRCh38, 1-based): chr6:7,584,367, G>A. VCF-style: chr6-7584367-G-A. GRCh37 (hg19) VCF-style: chr6-7584600-G-A.
Other names: c.5308G>A, p.Glu1770Lys (NM_001008844.3); c.5776G>A, p.Glu1926Lys (NM_001319034.2); short protein forms E1926K, E2369K, E1770K.
Identifiers: ClinVar variation 2941798 (VCV002941798.3), dbSNP rs2533943956, ClinGen allele CA362692244.